The following is an entry in ClinVar:

ClinVar aggregate classification (germline): Uncertain significance (1 of 4 stars; one submission).

Submission:

Labcorp Genetics (formerly Invitae), Labcorp
Classification: Uncertain significance. Last evaluated: 2022-04-23. Review status: criteria provided, single submitter. Criteria: Invitae Variant Classification Sherloc (09022015). Collection method: clinical testing. Allele origin: germline.
Comment: This sequence change replaces alanine, which is neutral and non-polar, with glycine, which is neutral and non-polar, at codon 240 of the TYMP protein (p.Ala240Gly). This variant is not present in population databases (gnomAD no frequency). This variant has not been reported in the literature in individuals affected with TYMP-related conditions. Advanced modeling of protein sequence and biophysical properties (such as structural, functional, and spatial information, amino acid conservation, physicochemical variation, residue mobility, and thermodynamic stability) performed at Invitae indicates that this missense variant is expected to disrupt TYMP protein function. In summary, the available evidence is currently insufficient to determine the role of this variant in disease. Therefore, it has been classified as a Variant of Uncertain Significance.

NM_001953.5(TYMP):c.719C>G (p.Ala240Gly)

Gene: TYMP (thymidine phosphorylase; minus strand). Cytogenetic location: 22q13.33.
Variant type: single nucleotide variant.
Coding change: c.719C>G on transcript NM_001953.5 (MANE Select); coding-DNA position 719, C replaced by G.
Protein change: p.Ala240Gly; replaces alanine 240 with glycine.
Molecular consequence: missense variant.
Genome position (GRCh38, 1-based): chr22:50,527,211, G>C on the plus strand (C>G on the coding strand, the complement: TYMP is on the minus strand). VCF-style: chr22-50527211-G-C. GRCh37 (hg19) VCF-style: chr22-50965640-G-C.
Other names: c.719C>G, p.Ala240Gly (NM_001113755.3, NM_001113756.3, NM_001257988.1 and 1 more transcripts); short protein forms A240G.
Identifiers: ClinVar variation 1897975 (VCV001897975.2), dbSNP rs568773673, ClinGen allele CA412200614.
Genomic context (GRCh38, chr22:50,527,211, plus strand): 5'-GCCACACCGCTCACCAGCGTCTTTGCCAGCTCCCGGGCCTGCTCCTGGTTGGGGAAGACG[G>C]CGGCCCCTCCGAACTTAACGTCCACCACCAGAGCGGACAGCCCCTCCACGAGTTTCTTAC-3'
Protein context (NP_001944.1, residues 230-250): LVVDVKFGGA[Ala240Gly]VFPNQEQARE